The following is an entry in ClinVar:

NC_000008.10:g.(?_37632837)_(37633554_?)del

Gene: PLPBP (pyridoxal phosphate binding protein; plus strand). Cytogenetic location: 8p11.23.
Variant type: Deletion.
Identifiers: ClinVar variation 2425699 (VCV002425699.4).

ClinVar aggregate classification (germline): Pathogenic (1 of 4 stars; one submission).

Submission:

Labcorp Genetics (formerly Invitae), Labcorp
Classification: Pathogenic. Last evaluated: 2023-08-23. Review status: criteria provided, single submitter. Criteria: Invitae Variant Classification Sherloc (09022015). Collection method: clinical testing. Allele origin: germline.
Comment: For these reasons, this variant has been classified as Pathogenic. This variant is a gross deletion of the genomic region encompassing exon(s) 6-7 of the PROSC gene. While this deletion is not anticipated to lead to nonsense mediated decay, it is expected to disrupt the C-terminus of the protein. This variant has not been reported in the literature in individuals affected with PROSC-related conditions. This variant disrupts a region of the PROSC protein in which other variant(s) (p.Arg205Gln) have been determined to be pathogenic (PMID: 28391250, 29689137, 30525118). This suggests that this is a clinically significant region of the protein, and that variants that disrupt it are likely to be disease-causing.

Literature cited by the submitters: PubMed 28391250; PubMed 29689137; PubMed 30525118.